The following is an entry in ClinVar:

NM_016239.4(MYO15A):c.2150G>C (p.Ser717Thr)

Gene: MYO15A (myosin XVA; plus strand). Cytogenetic location: 17p11.2.
Variant type: single nucleotide variant.
Coding change: c.2150G>C on transcript NM_016239.4 (MANE Select); coding-DNA position 2150, G replaced by C.
Protein change: p.Ser717Thr; replaces serine 717 with threonine.
Molecular consequence: missense variant.
Genome position (GRCh38, 1-based): chr17:18,120,950, G>C. VCF-style: chr17-18120950-G-C. GRCh37 (hg19) VCF-style: chr17-18024264-G-C.
Other names: short protein forms S717T.
Identifiers: ClinVar variation 1216225 (VCV001216225.16), dbSNP rs546018470, ClinGen allele CA8423228.

ClinVar aggregate classification (germline): Conflicting classifications of pathogenicity. Review status: criteria provided, conflicting classifications (1 of 4 stars). 6 submissions from 6 submitters: Uncertain significance (2); Likely benign (3). 1 of the submissions does not count toward it. Last evaluated 2026-03-17.

Conditions:
MYO15A-related disorder. Also called: MYO15A-related condition.
Inborn genetic diseases. Identifiers: MedGen C0950123, MeSH D030342.

Allele frequency attached by ClinVar (database versions not stated): ExAC 0.00011; gnomAD exomes 0.00016; 1000 Genomes Project 0.00040; 1000 Genomes Project 30x 0.00062; TOPMed 0.00097; gnomAD 0.00099 and 0.00113.
gnomAD v4.1: 261 of 1,480,756 alleles (0.018%); highest among the groups gnomAD compares: African/African-American, 0.33%; 2 homozygotes.

Submissions (6):

Women's Health and Genetics/Laboratory Corporation of America, LabCorp
Classification: Uncertain significance. Last evaluated: 2026-03-17. Review status: criteria provided, single submitter. Criteria: LabCorp Variant Classification Summary - May 2015. Collection method: clinical testing. Allele origin: germline.
Comment: Variant summary: MYO15A c.2150G>C (p.Ser717Thr) results in a conservative amino acid change in the encoded protein sequence. Algorithms developed to predict the effect of missense changes on protein structure and function all suggest that this variant is likely to be tolerated. The variant allele was found at a frequency of 0.00016 in 87232 control chromosomes, predominantly at a frequency of 0.0036 within the African or African-American subpopulation in the gnomAD database. The available data on variant occurrences in the general population are insufficient to allow any conclusion about variant significance. To our knowledge, no occurrence of c.2150G>C in individuals affected with MYO15A-related conditions and no experimental evidence demonstrating its impact on protein function have been reported. ClinVar contains an entry for this variant (Variation ID: 1216225). Based on the evidence outlined above, the variant was classified as uncertain significance.

Labcorp Genetics (formerly Invitae), Labcorp
Classification: Likely benign. Last evaluated: 2026-01-28. Review status: criteria provided, single submitter. Criteria: Invitae Variant Classification Sherloc (09022015). Collection method: clinical testing. Allele origin: germline.

Blueprint Genetics
Classification: Likely benign. Last evaluated: 2024-10-18. Review status: criteria provided, single submitter. Criteria: ACMG Guidelines, 2015. Collection method: clinical testing. Allele origin: germline.

Ambry Genetics
Classification: Uncertain significance for Inborn genetic diseases. Last evaluated: 2021-09-27. Review status: criteria provided, single submitter. Criteria: Ambry Variant Classification Scheme 2023. Collection method: clinical testing. Allele origin: germline.

GeneDx
Classification: Likely benign. Last evaluated: 2021-03-17. Review status: criteria provided, single submitter. Criteria: GeneDx Variant Classification Process June 2021. Collection method: clinical testing. Allele origin: germline. Affected: yes.

PreventionGenetics, part of Exact Sciences
Classification: Likely benign for MYO15A-related condition. Last evaluated: 2020-03-02. Review status: no assertion criteria provided. Collection method: clinical testing. Allele origin: germline. Not counted in ClinVar's aggregate classification.
Comment: This variant is classified as likely benign based on ACMG/AMP sequence variant interpretation guidelines (Richards et al. 2015 PMID: 25741868, with internal and published modifications).